The following is an entry in ClinVar:

NM_005529.7(HSPG2):c.7086C>T (p.Cys2362=)

Gene: HSPG2 (heparan sulfate proteoglycan 2; minus strand). Cytogenetic location: 1p36.12.
Variant type: single nucleotide variant.
Coding change: c.7086C>T on transcript NM_005529.7 (MANE Select); coding-DNA position 7086, C replaced by T.
Protein change: p.Cys2362=; no amino-acid change (cysteine 2362 retained).
Molecular consequence: synonymous variant.
Genome position (GRCh38, 1-based): chr1:21,851,618, G>A on the plus strand (C>T on the coding strand, the complement: HSPG2 is on the minus strand). VCF-style: chr1-21851618-G-A. GRCh37 (hg19) VCF-style: chr1-22178111-G-A.
Other names: c.7089C>T, p.Cys2363= (NM_001291860.2).
Identifiers: ClinVar variation 287865 (VCV000287865.48), dbSNP rs139001173, ClinGen allele CA671317.

ClinVar aggregate classification (germline): Conflicting classifications of pathogenicity. Review status: criteria provided, conflicting classifications (1 of 4 stars). 9 submissions from 8 submitters: Uncertain significance (2); Benign (2); Likely benign (5). Last evaluated 2026-04-01.

Conditions:
Connective tissue disorder. Also called: Connective tissue disease. Identifiers: MedGen C0009782, MONDO:0003900.
Lethal Kniest-like syndrome (DDSH). Also called: Dyssegmental Dysplasia. Identifiers: Orphanet 1865, MedGen C1857100, MONDO:0009140, OMIM 224410.
Schwartz-Jampel syndrome. Also called: Myotonic myopathy dwarfism chondrodystrophy and ocular and facial abnormalities. Identifiers: Orphanet 800, MedGen C0036391, MONDO:0009717.

Allele frequency attached by ClinVar (database versions not stated): 1000 Genomes Project 0.00120; 1000 Genomes Project 30x 0.00125; ExAC 0.00196; gnomAD exomes 0.00202 and 0.00242; gnomAD 0.00254 and 0.00265; TOPMed 0.00282; ESP Exome Variant Server 0.00400.
gnomAD v4.1: 3,952 of 1,613,992 alleles (0.24%); highest among the groups gnomAD compares: African/African-American, 0.29%; 11 homozygotes.

Submissions (9):

CeGaT Center for Human Genetics Tuebingen
Classification: Likely benign. Last evaluated: 2026-04-01. Review status: criteria provided, single submitter. Criteria: CeGaT Center For Human Genetics Tuebingen Variant Classification Criteria Version 2. Collection method: clinical testing. Allele origin: germline. Affected: yes. Observed: 8 variant alleles.
Comment: HSPG2: BP4, BP7

Labcorp Genetics (formerly Invitae), Labcorp
Classification: Benign. Last evaluated: 2026-01-18. Review status: criteria provided, single submitter. Criteria: Invitae Variant Classification Sherloc (09022015). Collection method: clinical testing. Allele origin: germline.

Blueprint Genetics
Classification: Likely benign. Last evaluated: 2024-11-15. Review status: criteria provided, single submitter. Criteria: ACMG Guidelines, 2015. Collection method: clinical testing. Allele origin: germline.

GeneDx
Classification: Likely benign. Last evaluated: 2021-06-24. Review status: criteria provided, single submitter. Criteria: GeneDx Variant Classification Process June 2021. Collection method: clinical testing. Allele origin: germline. Affected: yes.

Genome Diagnostics Laboratory, The Hospital for Sick Children
Classification: Likely benign for Connective tissue disorder. Last evaluated: 2021-06-18. Review status: criteria provided, single submitter. Criteria: ACMG Guidelines, 2015. Collection method: clinical testing. Allele origin: germline.

Illumina Laboratory Services, Illumina
Classification: Uncertain significance for Schwartz-Jampel syndrome type 1. Last evaluated: 2018-01-12. Review status: criteria provided, single submitter. Criteria: ICSL Variant Classification Criteria 13 December 2019. Collection method: clinical testing. Allele origin: germline.

Illumina Laboratory Services, Illumina
Classification: Uncertain significance for Lethal Kniest-like syndrome. Last evaluated: 2018-01-12. Review status: criteria provided, single submitter. Criteria: ICSL Variant Classification Criteria 13 December 2019. Collection method: clinical testing. Allele origin: germline.

Athena Diagnostics
Classification: Benign. Last evaluated: 2017-01-20. Review status: criteria provided, single submitter. Criteria: Athena Diagnostics Criteria. Collection method: clinical testing. Allele origin: germline.

Eurofins Ntd Llc (ga)
Classification: Likely benign. Last evaluated: 2016-05-02. Review status: criteria provided, single submitter. Criteria: EGL Classification Definitions 2015. Collection method: clinical testing. Allele origin: germline. Observed: 1 variant allele, 1 heterozygote.